The following is an entry in ClinVar:

NM_016333.4(SRRM2):c.5204C>G (p.Pro1735Arg)

Gene: SRRM2 (serine/arginine repetitive matrix 2; plus strand). Cytogenetic location: 16p13.3.
Variant type: single nucleotide variant.
Coding change: c.5204C>G on transcript NM_016333.4 (MANE Select); coding-DNA position 5204, C replaced by G.
Protein change: p.Pro1735Arg; replaces proline 1735 with arginine.
Molecular consequence: missense variant.
Genome position (GRCh38, 1-based): chr16:2,765,732, C>G. VCF-style: chr16-2765732-C-G. GRCh37 (hg19) VCF-style: chr16-2815733-C-G.
Other names: short protein forms P1735R.
Identifiers: ClinVar variation 3253560 (VCV003253560.1), dbSNP rs754198311.

ClinVar aggregate classification (germline): Uncertain significance (1 of 4 stars; one submission).

Submission:

GeneDx
Classification: Uncertain significance. Last evaluated: 2023-12-05. Review status: criteria provided, single submitter. Criteria: GeneDx Variant Classification Process June 2021. Collection method: clinical testing. Allele origin: germline. Affected: yes.
Comment: Not observed at significant frequency in large population cohorts (gnomAD); In silico analysis supports that this missense variant does not alter protein structure/function; Has not been previously published as pathogenic or benign to our knowledge